The following is an entry in ClinVar:

ClinVar aggregate classification (germline): Conflicting classifications of pathogenicity. Review status: criteria provided, conflicting classifications (1 of 4 stars). 4 submissions from 4 submitters: Pathogenic (1); Uncertain significance (3). Last evaluated 2026-04-23.

Conditions:
Fanconi anemia (FA). Also called: Fanconi's anemia. Identifiers: Orphanet 84, MedGen C0015625, MeSH D005199, MONDO:0019391.
Fanconi anemia complementation group D2. Also called: FANCD2-Related Fanconi Anemia; FANCONI PANCYTOPENIA, TYPE 4; FANCONI ANEMIA, COMPLEMENTATION GROUP D. Identifiers: Orphanet 84, MedGen C3160738, MONDO:0009214, OMIM 227646.

Allele frequency attached by ClinVar (database versions not stated): gnomAD 0.00001; gnomAD exomes 0.00002 and 0.00004; TOPMed 0.00002; ExAC 0.00003.
gnomAD v4.1: 53 of 1,613,756 alleles (0.0033%); highest among the groups gnomAD compares: Non-Finnish European, 0.0042%; no homozygotes.

Submissions (4):

Women's Health and Genetics/Laboratory Corporation of America, LabCorp
Classification: Uncertain significance. Last evaluated: 2026-04-23. Review status: criteria provided, single submitter. Criteria: LabCorp Variant Classification Summary - May 2015. Collection method: clinical testing. Allele origin: germline.
Comment: Variant summary: FANCD2 c.2204G>A (p.Arg735Gln) results in a conservative amino acid change in the encoded protein sequence. Algorithms developed to predict the effect of missense changes on protein structure and function are either unavailable or do not agree on the potential impact of this missense change. The variant allele was found at a frequency of 1.6e-05 in 251476 control chromosomes (gnomAD). The available data on variant occurrences in the general population are insufficient to allow any conclusion about variant significance. c.2204G>A has been reported in the literature as a compound heterozygous genotype in at-least one individual affected with Fanconi Anemia (example, Knies_2012). These data do not allow any conclusion about variant significance. To our knowledge, no experimental evidence demonstrating an impact on protein function has been reported. The following publications have been ascertained in the context of this evaluation (PMID: 23285130, 26740942). ClinVar contains an entry for this variant (Variation ID: 872482). Based on the evidence outlined above, the variant was classified as uncertain significance.

Fulgent Genetics
Classification: Uncertain significance for Fanconi anemia complementation group D2. Last evaluated: 2024-06-14. Review status: criteria provided, single submitter. Criteria: ACMG Guidelines, 2015. Collection method: clinical testing. Allele origin: germline.

Labcorp Genetics (formerly Invitae), Labcorp
Classification: Uncertain significance for Fanconi anemia. Last evaluated: 2023-07-26. Review status: criteria provided, single submitter. Criteria: Invitae Variant Classification Sherloc (09022015). Collection method: clinical testing. Allele origin: germline.
Comment: In summary, the available evidence is currently insufficient to determine the role of this variant in disease. Therefore, it has been classified as a Variant of Uncertain Significance. Advanced modeling of protein sequence and biophysical properties (such as structural, functional, and spatial information, amino acid conservation, physicochemical variation, residue mobility, and thermodynamic stability) performed at Invitae indicates that this missense variant is expected to disrupt FANCD2 protein function. ClinVar contains an entry for this variant (Variation ID: 872482). This missense change has been observed in individual(s) with Fanconi anemia (PMID: 23285130). In at least one individual the data is consistent with being in trans (on the opposite chromosome) from a pathogenic variant. This variant is present in population databases (rs755975980, gnomAD 0.003%). This sequence change replaces arginine, which is basic and polar, with glutamine, which is neutral and polar, at codon 735 of the FANCD2 protein (p.Arg735Gln).

CeGaT Center for Human Genetics Tuebingen
Classification: Pathogenic. Last evaluated: 2020-11-01. Review status: criteria provided, single submitter. Criteria: CeGaT Center For Human Genetics Tuebingen Variant Classification Criteria Version 2. Collection method: clinical testing. Allele origin: germline. Affected: yes. Observed: 1 variant allele.

Literature cited by the submitters: PubMed 26740942 (cited by Women's Health and Genetics/Laboratory Corporation of America, LabCorp); PubMed 23285130 (cited by Women's Health and Genetics/Laboratory Corporation of America, LabCorp and Labcorp Genetics (formerly Invitae), Labcorp).

NM_001018115.3(FANCD2):c.2204G>A (p.Arg735Gln)

Genes: FANCD2 (FA complementation group D2; plus strand), LOC107303338 (3p25 FANCD2 Alu-mediated recombination region; plus strand). Cytogenetic location: 3p25.3.
Variant type: single nucleotide variant.
Coding change: c.2204G>A on transcript NM_001018115.3 (MANE Select); coding-DNA position 2204, G replaced by A.
Protein change: p.Arg735Gln; replaces arginine 735 with glutamine.
Molecular consequence: missense variant.
Genome position (GRCh38, 1-based): chr3:10,065,429, G>A. VCF-style: chr3-10065429-G-A. GRCh37 (hg19) VCF-style: chr3-10107113-G-A.
Other names: c.2204G>A, p.Arg735Gln (NM_001319984.2, NM_001374254.1, NM_033084.6); c.2093G>A, p.Arg698Gln (NM_001374253.1); short protein forms R735Q, R698Q.
Identifiers: ClinVar variation 872482 (VCV000872482.48), dbSNP rs755975980, ClinGen allele CA2250006.